The following is an entry in ClinVar:

NM_004444.5(EPHB4):c.298C>G (p.Leu100Val)

Gene: EPHB4 (EPH receptor B4; minus strand). Cytogenetic location: 7q22.1.
Variant type: single nucleotide variant.
Coding change: c.298C>G on transcript NM_004444.5 (MANE Select); coding-DNA position 298, C replaced by G.
Protein change: p.Leu100Val; replaces leucine 100 with valine.
Molecular consequence: missense variant.
Genome position (GRCh38, 1-based): chr7:100,823,757, G>C on the plus strand (C>G on the coding strand, the complement: EPHB4 is on the minus strand). VCF-style: chr7-100823757-G-C. GRCh37 (hg19) VCF-style: chr7-100421379-G-C.
Other names: short protein forms L100V.
Identifiers: ClinVar variation 3845454 (VCV003845454.1).

ClinVar aggregate classification (germline): Uncertain significance (1 of 4 stars; one submission).

Conditions:
Cardiovascular phenotype. Identifiers: MedGen CN230736.

gnomAD v4.1: 2 of 1,613,630 alleles (0.00012%); highest among the groups gnomAD compares: Non-Finnish European, 0.00017%; no homozygotes.

Submission:

Ambry Genetics
Classification: Uncertain significance for Cardiovascular phenotype. Last evaluated: 2024-12-28. Review status: criteria provided, single submitter. Criteria: Ambry Variant Classification Scheme 2023. Collection method: clinical testing. Allele origin: germline.
Comment: The p.L100V variant (also known as c.298C>G), located in coding exon 3 of the EPHB4 gene, results from a C to G substitution at nucleotide position 298. The leucine at codon 100 is replaced by valine, an amino acid with highly similar properties. This amino acid position is conserved. In addition, this alteration is predicted to be tolerated by in silico analysis. Based on the available evidence, the clinical significance of this variant remains unclear.